The following is an entry in ClinVar:

ClinVar aggregate classification (germline): Uncertain significance (1 of 4 stars; one submission).

Conditions:
Cone-rod dystrophy 2 (CORD2). Also called: CONE-ROD RETINAL DYSTROPHY; Cone-rod retinal dystrophy 2. Identifiers: Orphanet 1872, MedGen C3489532, MONDO:0007362, OMIM 120970.
Leber congenital amaurosis 7 (LCA7). Identifiers: Orphanet 65, MedGen C3151192, MONDO:0013449, OMIM 613829.

Submission:

Labcorp Genetics (formerly Invitae), Labcorp
Classification: Uncertain significance for Cone-rod dystrophy 2; Leber congenital amaurosis 7. Last evaluated: 2024-06-19. Review status: criteria provided, single submitter. Criteria: Invitae Variant Classification Sherloc (09022015). Collection method: clinical testing. Allele origin: germline.
Comment: This sequence change results in a frameshift in the CRX gene (p.Asp284Thrfs*87). While this is not anticipated to result in nonsense mediated decay, it is expected to disrupt the last 16 amino acid(s) of the CRX protein and extend the protein by 70 additional amino acid residues. This variant is not present in population databases (gnomAD no frequency). This variant has not been reported in the literature in individuals affected with CRX-related conditions. This variant results in an extension of the CRX protein. Other variant(s) that result in a similarly extended protein product (p.Asp284Alafs*87) have been observed in individuals with CRX-related disease (PMID: 35456422). This suggests that these extensions may be clinically significant. In summary, the available evidence is currently insufficient to determine the role of this variant in disease. Therefore, it has been classified as a Variant of Uncertain Significance.

Literature cited by the submitters: PubMed 35456422.

NM_000554.6(CRX):c.850del (p.Asp284fs)

Gene: CRX (cone-rod homeobox; plus strand). Cytogenetic location: 19q13.33.
Variant type: Deletion.
Coding change: c.850del on transcript NM_000554.6 (MANE Select); coding-DNA position 850, one base deleted (G; older notation c.850delG).
Protein change: p.Asp284fs; shifts the reading frame from aspartic acid 284.
Molecular consequence: frameshift variant.
Genome position (GRCh38, 1-based): chr19:47,839,917, G deleted; the last of 2 consecutive G bases (chr19:47,839,916-47,839,917); deleting either gives the same sequence. VCF-style (leftmost placement, unchanged base first): chr19-47839915-TG-T. GRCh37 (hg19) VCF-style: chr19-48343172-TG-T.
Other names: short protein forms D284fs.
Identifiers: ClinVar variation 3756873 (VCV003756873.2).